The following is an entry in ClinVar:

NM_014140.4(SMARCAL1):c.-218C>T

Genes: SMARCAL1 (SNF2 related chromatin remodeling annealing helicase 1; plus strand), LOC112806077 (Sharpr-MPRA regulatory region 13820; plus strand). Cytogenetic location: 2q35.
Variant type: single nucleotide variant.
Coding change: c.-218C>T on transcript NM_014140.4 (MANE Select); 218 bases upstream of the start codon, C replaced by T.
Molecular consequence: 5 prime UTR variant.
Genome position (GRCh38, 1-based): chr2:216,412,526, C>T. VCF-style: chr2-216412526-C-T. GRCh37 (hg19) VCF-style: chr2-217277249-C-T.
Identifiers: ClinVar variation 334280 (VCV000334280.6), dbSNP rs3755141, ClinGen allele CA10612409.

ClinVar aggregate classification (germline): Benign. Review status: criteria provided, multiple submitters, no conflicts (2 of 4 stars). 2 submissions from 2 submitters: Benign (2). Last evaluated 2018-01-12.

Conditions:
Schimke immuno-osseous dysplasia (SIOD). Also called: Schimke Immunoosseous Dysplasia. Identifiers: Orphanet 1830, MedGen C0877024, MONDO:0009458, OMIM 242900.

Allele frequency attached by ClinVar (database versions not stated): 1000 Genomes Project 30x 0.20222; 1000 Genomes Project 0.20787; TOPMed 0.21368; gnomAD 0.22352 and 0.22835; gnomAD exomes 0.26000.
gnomAD v4.1: 34,782 of 152,270 alleles (23%); highest among the groups gnomAD compares: Non-Finnish European, 31%; 4,916 homozygotes.

Submissions (2):

Illumina Laboratory Services, Illumina
Classification: Benign for Schimke immuno-osseous dysplasia. Last evaluated: 2018-01-12. Review status: criteria provided, single submitter. Criteria: ICSL Variant Classification Criteria 13 December 2019. Collection method: clinical testing. Allele origin: germline.
Comment: This variant was observed in the ICSL laboratory as part of a predisposition screen in an ostensibly healthy population. It had not been previously curated by ICSL or reported in the Human Gene Mutation Database (HGMD: prior to June 1st, 2018), and was therefore a candidate for classification through an automated scoring system. Utilizing variant allele frequency, disease prevalence and penetrance estimates, and inheritance mode, an automated score was calculated to assess if this variant is too frequent to cause the disease. Based on the score and internal cut-off values, a variant classified as benign is not then subjected to further curation. The score for this variant resulted in a classification of benign for this disease.

Breakthrough Genomics
Classification: Benign. Review status: criteria provided, single submitter. Criteria: ACMG Guidelines, 2015. Collection method: not provided. Allele origin: germline. Inheritance: Autosomal recessive inheritance. Affected: yes.